The following is an entry in ClinVar:

ClinVar aggregate classification (germline): Uncertain significance. Review status: criteria provided, multiple submitters, no conflicts (2 of 4 stars). 2 submissions from 2 submitters: Uncertain significance (2). Last evaluated 2022-04-11.

Conditions:
Nephronophthisis. Also called: Juvenile Nephronophthisis. Identifiers: Orphanet 655, MedGen C0687120, MONDO:0019005, HP:0000090.
Joubert syndrome. Also called: Familial aplasia of the vermis; JOUBERT-BOLTSHAUSER SYNDROME. Identifiers: Orphanet 475, MedGen C5979921, MONDO:0018772.
Meckel-Gruber syndrome. Also called: DYSENCEPHALIA SPLANCHNOCYSTICA; Dysencephalia splachnocystica; GRUBER SYNDROME. Identifiers: Orphanet 564, MedGen C0265215, MONDO:0018921.

Allele frequency attached by ClinVar (database versions not stated): gnomAD exomes below 0.00001; ExAC 0.00001.

Submissions (2):

Blueprint Genetics
Classification: Uncertain significance. Last evaluated: 2022-04-11. Review status: criteria provided, single submitter. Criteria: ACMG Guidelines, 2015. Collection method: clinical testing. Allele origin: germline.

Labcorp Genetics (formerly Invitae), Labcorp
Classification: Uncertain significance for Joubert syndrome; Meckel-Gruber syndrome; Nephronophthisis. Last evaluated: 2021-09-09. Review status: criteria provided, single submitter. Criteria: Invitae Variant Classification Sherloc (09022015). Collection method: clinical testing. Allele origin: germline.
Comment: In summary, the available evidence is currently insufficient to determine the role of this variant in disease. Therefore, it has been classified as a Variant of Uncertain Significance. This sequence change replaces aspartic acid with glycine at codon 978 of the CEP290 protein (p.Asp978Gly). The aspartic acid residue is highly conserved and there is a moderate physicochemical difference between aspartic acid and glycine. This variant is present in population databases (rs758309007, ExAC 0.002%). This variant has not been reported in the literature in individuals affected with CEP290-related conditions. Algorithms developed to predict the effect of missense changes on protein structure and function are either unavailable or do not agree on the potential impact of this missense change (SIFT: "Deleterious"; PolyPhen-2: "Possibly Damaging"; Align-GVGD: "Class C0").

NM_025114.4(CEP290):c.2933A>G (p.Asp978Gly)

Gene: CEP290 (centrosomal protein 290; minus strand). Cytogenetic location: 12q21.32.
Variant type: single nucleotide variant.
Coding change: c.2933A>G on transcript NM_025114.4 (MANE Select); coding-DNA position 2933, A replaced by G.
Protein change: p.Asp978Gly; replaces aspartic acid 978 with glycine.
Molecular consequence: missense variant.
Genome position (GRCh38, 1-based): chr12:88,102,896, T>C on the plus strand (A>G on the coding strand, the complement: CEP290 is on the minus strand). VCF-style: chr12-88102896-T-C. GRCh37 (hg19) VCF-style: chr12-88496673-T-C.
Other names: short protein forms D978G.
Identifiers: ClinVar variation 1366789 (VCV001366789.7), dbSNP rs758309007, ClinGen allele CA6712237.
Genomic context (GRCh38, chr12:88,102,896, plus strand): 5'-ACCTCCAGGTGTTCCAAGTTACTTGTTCTTTGAACAAGCATATTATCTTTTTGCAAGATG[T>C]CCCTGTACTTAGCAGTCAGTTCATTGTACTGTTTATTAGCCAGTTCTAGTTCAGACAAAG-3'
Protein context (NP_079390.3, residues 968-988): QYNELTAKYR[Asp978Gly]ILQKDNMLVQ